The following is an entry in ClinVar:

NM_181882.3(PRX):c.609G>A (p.Gln203=)

Gene: PRX (periaxin; minus strand). Cytogenetic location: 19q13.2.
Variant type: single nucleotide variant.
Coding change: c.609G>A on transcript NM_181882.3 (MANE Select); coding-DNA position 609, G replaced by A.
Protein change: p.Gln203=; no amino-acid change (glutamine 203 retained).
Molecular consequence: synonymous variant. On other transcripts: 3 prime UTR variant (1).
Genome position (GRCh38, 1-based): chr19:40,397,743, C>T on the plus strand (G>A on the coding strand, the complement: PRX is on the minus strand). VCF-style: chr19-40397743-C-T. GRCh37 (hg19) VCF-style: chr19-40903650-C-T.
Other names: c.894G>A, p.Gln298= (NM_001411127.1); c.*814G>A (NM_020956.2).
Identifiers: ClinVar variation 3716085 (VCV003716085.12).

ClinVar aggregate classification (germline): Likely benign. Review status: criteria provided, multiple submitters, no conflicts (2 of 4 stars). 2 submissions from 2 submitters: Likely benign (2). Last evaluated 2025-05-01.

Conditions:
Charcot-Marie-Tooth disease type 4. Also called: Charcot-Marie-Tooth, Type 4; Charcot-Marie-Tooth disease, type IV. Identifiers: Orphanet 64749, MedGen C4082197, MONDO:0018995.

gnomAD v4.1: 2 of 1,564,186 alleles (0.00013%); highest among the groups gnomAD compares: African/African-American, 0.0013%; no homozygotes.

Submissions (2):

CeGaT Center for Human Genetics Tuebingen
Classification: Likely benign. Last evaluated: 2025-05-01. Review status: criteria provided, single submitter. Criteria: CeGaT Center For Human Genetics Tuebingen Variant Classification Criteria Version 2. Collection method: clinical testing. Allele origin: germline. Affected: yes. Observed: 1 variant allele.
Comment: PRX: BP4, BP7

Labcorp Genetics (formerly Invitae), Labcorp
Classification: Likely benign for Charcot-Marie-Tooth disease type 4. Last evaluated: 2024-05-09. Review status: criteria provided, single submitter. Criteria: Invitae Variant Classification Sherloc (09022015). Collection method: clinical testing. Allele origin: germline.